The following is an entry in ClinVar:

ClinVar aggregate classification (germline): Uncertain significance. Review status: criteria provided, multiple submitters, no conflicts (2 of 4 stars). 2 submissions from 2 submitters: Uncertain significance (2). Last evaluated 2024-06-21.

Allele frequency attached by ClinVar (database versions not stated): gnomAD 0.00001; TOPMed 0.00001; ExAC 0.00002.
gnomAD v4.1: 4 of 1,613,996 alleles (0.00025%); highest among the groups gnomAD compares: Admixed American, 0.0033%; no homozygotes.

Submissions (2):

Mayo Clinic Laboratories, Mayo Clinic
Classification: Uncertain significance. Last evaluated: 2024-06-21. Review status: criteria provided, single submitter. Criteria: ACMG Guidelines, 2015. Collection method: clinical testing. Allele origin: germline. Observed: 1 variant allele.
Comment: PM2_moderate

Labcorp Genetics (formerly Invitae), Labcorp
Classification: Uncertain significance. Last evaluated: 2023-10-03. Review status: criteria provided, single submitter. Criteria: Invitae Variant Classification Sherloc (09022015). Collection method: clinical testing. Allele origin: germline.
Comment: This sequence change replaces proline, which is neutral and non-polar, with leucine, which is neutral and non-polar, at codon 2118 of the SPTA1 protein (p.Pro2118Leu). This variant is present in population databases (rs746880388, gnomAD 0.006%). This variant has not been reported in the literature in individuals affected with SPTA1-related conditions. Advanced modeling of protein sequence and biophysical properties (such as structural, functional, and spatial information, amino acid conservation, physicochemical variation, residue mobility, and thermodynamic stability) has been performed at Invitae for this missense variant, however the output from this modeling did not meet the statistical confidence thresholds required to predict the impact of this variant on SPTA1 protein function. In summary, the available evidence is currently insufficient to determine the role of this variant in disease. Therefore, it has been classified as a Variant of Uncertain Significance.

NM_003126.4(SPTA1):c.6353C>T (p.Pro2118Leu)

Gene: SPTA1 (spectrin alpha, erythrocytic 1; minus strand). Cytogenetic location: 1q23.1.
Variant type: single nucleotide variant.
Coding change: c.6353C>T on transcript NM_003126.4 (MANE Select); coding-DNA position 6353, C replaced by T.
Protein change: p.Pro2118Leu; replaces proline 2118 with leucine.
Molecular consequence: missense variant.
Genome position (GRCh38, 1-based): chr1:158,620,234, G>A on the plus strand (C>T on the coding strand, the complement: SPTA1 is on the minus strand). VCF-style: chr1-158620234-G-A. GRCh37 (hg19) VCF-style: chr1-158590024-G-A.
Other names: p.Pro2118Leu; short protein forms P2118L.
Identifiers: ClinVar variation 2958718 (VCV002958718.3), dbSNP rs746880388, ClinGen allele CA1182027.